The following is an entry in ClinVar:

ClinVar aggregate classification (germline): Likely pathogenic. Review status: criteria provided, multiple submitters, no conflicts (2 of 4 stars). 3 submissions from 3 submitters: Likely pathogenic (3). Last evaluated 2025-02-12.

Conditions:
Arthrogryposis multiplex congenita 6. Identifiers: MedGen C5543431, MONDO:0030281, OMIM 619334.
Nemaline myopathy 2 (NEM2). Also called: Nemaline myopathy 2, autosomal recessive. Identifiers: MedGen C1850569, MONDO:0009725, OMIM 256030.

Submissions (3):

Natera, Inc.
Classification: Likely pathogenic for Nemaline myopathy type 2. Last evaluated: 2025-02-12. Review status: criteria provided, single submitter. Criteria: Natera Variant Classification Schema (03/2026). Collection method: clinical testing. Allele origin: germline.
Comment: The c.2204_2205del variant in NEB is a frameshift variant predicted to shift the reading frame and introduce a stop codon. This variant is expected to result in nonsense mediated decay, truncation, or a dysfunctional protein product. This variant is rare in the general population with a frequency below the threshold expected for the associated phenotype(s). Given the available evidence, this variant is classified as Likely Pathogenic.

Fulgent Genetics
Classification: Likely pathogenic for Nemaline myopathy 2; Arthrogryposis multiplex congenita 6. Last evaluated: 2024-03-21. Review status: criteria provided, single submitter. Criteria: ACMG Guidelines, 2015. Collection method: clinical testing. Allele origin: germline.

Baylor Genetics
Classification: Likely pathogenic for Arthrogryposis multiplex congenita 6. Last evaluated: 2022-02-24. Review status: criteria provided, single submitter. Criteria: ACMG Guidelines, 2015. Collection method: clinical testing. Allele origin: unknown.

NM_001164508.2(NEB):c.2204_2205del (p.Gln734_Cys735insTer)

Gene: NEB (nebulin; minus strand). Cytogenetic location: 2q23.3.
Variant type: Microsatellite.
Coding change: c.2204_2205del on transcript NM_001164508.2 (MANE Select); coding-DNA positions 2204 to 2205, 2 bases deleted (GT; older notation c.2204_2205delGT).
Protein change: p.Gln734_Cys735insTer.
Molecular consequence: nonsense. On other transcripts: frameshift variant (1).
Genome position (GRCh38, 1-based): chr2:151,691,870-151,691,871, AC deleted on the plus strand (GT on the coding strand, the reverse complement: NEB is on the minus strand); deleting any 2 consecutive bases within chr2:151,691,870-151,691,873 gives the same sequence; the c. name uses the placement nearest the transcript's 3' end. VCF-style (leftmost placement, unchanged base first): chr2-151691869-TAC-T. GRCh37 (hg19) VCF-style: chr2-152548383-TAC-T.
Other names: c.2204_2205del (NM_001271208.1); c.2204_2205del, p.Gln734_Cys735insTer (NM_001164507.2, NM_001271208.2, NM_004543.5); c.2202_2203GT[1], p.Cys735Terfs (NM_001271208.1).
Identifiers: ClinVar variation 2677168 (VCV002677168.3), dbSNP rs2552267730, ClinGen allele CA2661474844.
Genomic context (GRCh38, chr2:151,691,869, plus strand): 5'-TAGATGTCACAGGAATCCCAAGCTCAATTTCAATAATTCAGGGCAGCTAACTTACATCTT[TAC>T]ACTGGTCCAGCTTCTTGATTGCTTCATATTCTTGTGTTATTGTCTGAGGGAAATAGCATT-3'